The following is an entry in ClinVar:

NM_021098.3(CACNA1H):c.3270C>T (p.Ser1090=)

Gene: CACNA1H (calcium voltage-gated channel subunit alpha1 H; plus strand). Cytogenetic location: 16p13.3.
Variant type: single nucleotide variant.
Coding change: c.3270C>T on transcript NM_021098.3 (MANE Select); coding-DNA position 3270, C replaced by T.
Protein change: p.Ser1090=; no amino-acid change (serine 1090 retained).
Molecular consequence: synonymous variant.
Genome position (GRCh38, 1-based): chr16:1,208,128, C>T. VCF-style: chr16-1208128-C-T. GRCh37 (hg19) VCF-style: chr16-1258128-C-T.
Other names: c.3270C>T, p.Ser1090= (NM_001005407.2).
Identifiers: ClinVar variation 743813 (VCV000743813.34), dbSNP rs201113434, ClinGen allele CA7800702.
Genomic context (GRCh38, chr16:1,208,128, plus strand): 5'-CAGCCTGTCCCCTCCCCTCATCATGTGCACAGCTGCCACGCCCATGCCTACCCCCAAGAG[C>T]TCACCATTCCTGGATGCAGCCCCCAGCCTCCCAGACTCTCGGCGTGGCAGCAGCAGCTCC-3'
Protein context (NP_066921.2, residues 1080-1100): TAATPMPTPK[Ser1090=]SPFLDAAPSL

ClinVar aggregate classification (germline): Likely benign. Review status: criteria provided, multiple submitters, no conflicts (2 of 4 stars). 3 submissions from 3 submitters: Likely benign (3). Last evaluated 2024-11-05.

Conditions:
Hyperaldosteronism, familial, type IV (HALD4). Also called: FH IV; ALDOSTERONISM, PRIMARY, AND HYPERTENSION. Identifiers: Orphanet 642671, MedGen C4310756, MONDO:0014875, OMIM 617027.
Idiopathic generalized epilepsy. Also called: Generalised epilepsy; EIG. Identifiers: MedGen C0270850, MONDO:0005579, OMIM 600669.

Allele frequency attached by ClinVar (database versions not stated): gnomAD 0.00001; TOPMed 0.00002; 1000 Genomes Project 30x 0.00016; 1000 Genomes Project 0.00020.
gnomAD v4.1: 10 of 1,591,802 alleles (0.00063%); highest among the groups gnomAD compares: African/African-American, 0.0081%; no homozygotes.

Submissions (3):

Labcorp Genetics (formerly Invitae), Labcorp
Classification: Likely benign for Idiopathic generalized epilepsy; Hyperaldosteronism, familial, type IV. Last evaluated: 2024-11-05. Review status: criteria provided, single submitter. Criteria: Invitae Variant Classification Sherloc (09022015). Collection method: clinical testing. Allele origin: germline.

Blueprint Genetics
Classification: Likely benign. Last evaluated: 2022-11-04. Review status: criteria provided, single submitter. Criteria: ACMG Guidelines, 2015. Collection method: clinical testing. Allele origin: germline.

CeGaT Center for Human Genetics Tuebingen
Classification: Likely benign. Last evaluated: 2022-06-01. Review status: criteria provided, single submitter. Criteria: CeGaT Center For Human Genetics Tuebingen Variant Classification Criteria Version 2. Collection method: clinical testing. Allele origin: germline. Affected: yes. Observed: 1 variant allele.
Comment: CACNA1H: BP4, BP7